The following is an entry in ClinVar:

ClinVar aggregate classification (germline): Benign/Likely benign. Review status: criteria provided, multiple submitters, no conflicts (2 of 4 stars). 3 submissions from 3 submitters: Benign (1); Likely benign (2). Last evaluated 2025-03-14.

Conditions:
Hereditary cancer-predisposing syndrome. Also called: Tumor predisposition; Hereditary neoplastic syndrome; Hereditary Cancer Syndrome; Neoplastic Syndromes, Hereditary. Identifiers: Orphanet 140162, MedGen C0027672, MeSH D009386, MONDO:0015356.
Papillary renal cell carcinoma type 1 (RCCP1). Also called: Renal adenocarcinoma; Renal cell carcinoma 1; Renal cell carcinoma, somatic; RENAL CELL CARCINOMA, PAPILLARY, 1, SOMATIC. Identifiers: Orphanet 47044, MedGen C1336839, OMIM 605074, HP:0011797.
Renal cell carcinoma. Identifiers: Orphanet 217071, MedGen C0007134, MeSH D002292, MONDO:0005086, HP:0005584.

Submissions (3):

Labcorp Genetics (formerly Invitae), Labcorp
Classification: Likely benign for Renal cell carcinoma. Last evaluated: 2025-03-14. Review status: criteria provided, single submitter. Criteria: Invitae Variant Classification Sherloc (09022015). Collection method: clinical testing. Allele origin: germline.

Myriad Genetics, Inc.
Classification: Benign for Papillary renal cell carcinoma type 1. Last evaluated: 2024-11-12. Review status: criteria provided, single submitter. Criteria: Myriad Autosomal Dominant, Autosomal Recessive and X-Linked Classification Criteria (2023). Collection method: clinical testing. Allele origin: unknown.
Comment: This variant is considered benign. This variant is a silent/synonymous amino acid change and it is not expected to impact splicing.

Ambry Genetics
Classification: Likely benign for Hereditary cancer-predisposing syndrome. Last evaluated: 2021-06-29. Review status: criteria provided, single submitter. Criteria: Ambry Variant Classification Scheme 2023. Collection method: clinical testing. Allele origin: germline.

NM_000245.4(MET):c.3060A>C (p.Ser1020=)

Gene: MET (MET proto-oncogene, receptor tyrosine kinase; plus strand). Cytogenetic location: 7q31.2.
Variant type: single nucleotide variant.
Coding change: c.3060A>C on transcript NM_000245.4 (MANE Select); coding-DNA position 3060, A replaced by C.
Protein change: p.Ser1020=; no amino-acid change (serine 1020 retained).
Molecular consequence: synonymous variant.
Genome position (GRCh38, 1-based): chr7:116,774,912, A>C. VCF-style: chr7-116774912-A-C. GRCh37 (hg19) VCF-style: chr7-116414966-A-C.
Other names: c.3114A>C, p.Ser1038= (NM_001127500.3); c.1770A>C, p.Ser590= (NM_001324402.2).
Identifiers: ClinVar variation 1096659 (VCV001096659.12), dbSNP rs2117029833, ClinGen allele CA457218344.
Genomic context (GRCh38, chr7:116,774,912, plus strand): 5'-TTCTTTAATAATTTTCCTTCATCTTACAGATCAGTTTCCTAATTCATCTCAGAACGGTTC[A>C]TGCCGACAAGTGCAGTATCCTCTGACAGACATGTCCCCCATCCTAACTAGTGGGGACTCT-3'
Protein context (NP_000236.2, residues 1010-1030): DQFPNSSQNG[Ser1020=]CRQVQYPLTD